The following is an entry in ClinVar:

ClinVar aggregate classification (germline): Benign. Review status: criteria provided, multiple submitters, no conflicts (2 of 4 stars). 2 submissions from 2 submitters: Benign (2). Last evaluated 2013-02-21.

Allele frequency attached by ClinVar (database versions not stated): 1000 Genomes Project 30x 0.01452; 1000 Genomes Project 0.01498; TOPMed 0.01999; ESP Exome Variant Server 0.02638; gnomAD exomes 0.03020; gnomAD 0.03288.
gnomAD v4.1: 47,595 of 1,607,038 alleles (3%); highest among the groups gnomAD compares: Non-Finnish European, 3.3%; 892 homozygotes.

Submissions (8):

Laboratory for Molecular Medicine, Mass General Brigham Personalized Medicine
Classification: Benign. Last evaluated: 2013-02-21. Review status: criteria provided, single submitter. Criteria: LMM Criteria. Collection method: clinical testing. Allele origin: germline. Observed: 7 variant alleles.
Comment: 2631-9C>G in intron 21 of MUC5B: This variant is not expected to have clinical s ignificance because it has been identified in 3.2% (265/8382) of European Americ an chromosomes from a broad population by the NHLBI Exome Sequencing Project (dbSNP rs55771636).

Breakthrough Genomics
Classification: Benign. Review status: criteria provided, single submitter. Criteria: ACMG Guidelines, 2015. Collection method: not provided. Allele origin: germline. Inheritance: Autosomal dominant inheritance. Affected: yes.

Dr. Peter K. Rogan Lab, Western University
No classification provided (evidence only). Condition: Acute myeloid leukemia. Review status: no classification provided. Collection method: in vitro. Allele origin: not applicable. Functional consequence: retained intron. Not counted in ClinVar's aggregate classification.

Dr. Peter K. Rogan Lab, Western University
No classification provided (evidence only). Condition: Acute myeloid leukemia. Review status: no classification provided. Collection method: in vitro. Allele origin: not applicable. Functional consequence: retained intron. Not counted in ClinVar's aggregate classification.

Dr. Peter K. Rogan Lab, Western University
No classification provided (evidence only). Condition: Acute myeloid leukemia. Review status: no classification provided. Collection method: in vitro. Allele origin: not applicable. Functional consequence: retained intron. Not counted in ClinVar's aggregate classification.

Dr. Peter K. Rogan Lab, Western University
No classification provided (evidence only). Condition: Uterine corpus endometrial carcinoma. Review status: no classification provided. Collection method: in vitro. Allele origin: not applicable. Functional consequence: retained intron. Not counted in ClinVar's aggregate classification.

Dr. Peter K. Rogan Lab, Western University
No classification provided (evidence only). Condition: Cervical cancer. Review status: no classification provided. Collection method: in vitro. Allele origin: not applicable. Functional consequence: retained intron. Not counted in ClinVar's aggregate classification.

Dr. Peter K. Rogan Lab, Western University
No classification provided (evidence only). Condition: Cervical cancer. Review status: no classification provided. Collection method: in vitro. Allele origin: not applicable. Functional consequence: retained intron. Not counted in ClinVar's aggregate classification.

NM_002458.3(MUC5B):c.2631-9C>G

Gene: MUC5B (mucin 5B, oligomeric mucus/gel-forming; plus strand). Cytogenetic location: 11p15.5.
Variant type: single nucleotide variant.
Coding change: c.2631-9C>G on transcript NM_002458.3 (MANE Select); 9 bases into the intron before coding-DNA position 2631, C replaced by G.
Molecular consequence: intron variant.
Genome position (GRCh38, 1-based): chr11:1,235,076, C>G. VCF-style: chr11-1235076-C-G. GRCh37 (hg19) VCF-style: chr11-1256306-C-G.
Identifiers: ClinVar variation 178790 (VCV000178790.6), dbSNP rs55771636, ClinGen allele CA183044.